The following is an entry in ClinVar:

NM_014314.4(RIGI):c.202G>A (p.Gly68Ser)

Gene: RIGI (RNA sensor RIG-I; minus strand). Cytogenetic location: 9p21.1.
Variant type: single nucleotide variant.
Coding change: c.202G>A on transcript NM_014314.4 (MANE Select); coding-DNA position 202, G replaced by A.
Protein change: p.Gly68Ser; replaces glycine 68 with serine.
Molecular consequence: missense variant.
Genome position (GRCh38, 1-based): chr9:32,500,844, C>T on the plus strand (G>A on the coding strand, the complement: RIGI is on the minus strand). VCF-style: chr9-32500844-C-T. GRCh37 (hg19) VCF-style: chr9-32500842-C-T.
Other names: short protein forms G68S.
Identifiers: ClinVar variation 426614 (VCV000426614.4), dbSNP rs754398715, ClinGen allele CA373143001.

ClinVar aggregate classification (germline): Uncertain significance (1 of 4 stars; one submission).

Submission:

GeneDx
Classification: Uncertain significance. Last evaluated: 2019-05-18. Review status: criteria provided, single submitter. Criteria: GeneDx Variant Classification Process June 2021. Collection method: clinical testing. Allele origin: germline. Affected: yes.
Comment: Not observed in large population cohorts (Lek et al., 2016); In silico analysis, which includes protein predictors and evolutionary conservation, supports a deleterious effect; Has not been previously published as pathogenic or benign to our knowledge